The following is an entry in ClinVar:

ClinVar aggregate classification (germline): Uncertain significance (1 of 4 stars; one submission).

Allele frequency attached by ClinVar (database versions not stated): gnomAD 0.00001; TOPMed 0.00002; 1000 Genomes Project 30x 0.00031; 1000 Genomes Project 0.00040.
gnomAD v4.1: 29 of 1,614,072 alleles (0.0018%); highest among the groups gnomAD compares: Middle Eastern, 0.05%; no homozygotes.

Submission:

Labcorp Genetics (formerly Invitae), Labcorp
Classification: Uncertain significance. Last evaluated: 2023-02-09. Review status: criteria provided, single submitter. Criteria: Invitae Variant Classification Sherloc (09022015). Collection method: clinical testing. Allele origin: germline.
Comment: In summary, the available evidence is currently insufficient to determine the role of this variant in disease. Therefore, it has been classified as a Variant of Uncertain Significance. Advanced modeling of protein sequence and biophysical properties (such as structural, functional, and spatial information, amino acid conservation, physicochemical variation, residue mobility, and thermodynamic stability) performed at Invitae indicates that this missense variant is not expected to disrupt FAT2 protein function. This variant has not been reported in the literature in individuals affected with FAT2-related conditions. This variant is present in population databases (rs561258669, gnomAD 0.04%). This sequence change replaces alanine, which is neutral and non-polar, with aspartic acid, which is acidic and polar, at codon 3334 of the FAT2 protein (p.Ala3334Asp).

NM_001447.3(FAT2):c.10001C>A (p.Ala3334Asp)

Genes: FAT2 (FAT atypical cadherin 2; minus strand), SLC36A1 (solute carrier family 36 member 1; plus strand). Cytogenetic location: 5q33.1.
Variant type: single nucleotide variant.
Coding change: c.10001C>A on transcript NM_001447.3 (MANE Select); coding-DNA position 10001, C replaced by A.
Protein change: p.Ala3334Asp; replaces alanine 3334 with aspartic acid.
Molecular consequence: missense variant.
Genome position (GRCh38, 1-based): chr5:151,529,203, G>T on the plus strand (C>A on the coding strand, the complement: FAT2 is on the minus strand). VCF-style: chr5-151529203-G-T. GRCh37 (hg19) VCF-style: chr5-150908764-G-T.
Other names: short protein forms A3334D.
Identifiers: ClinVar variation 2888996 (VCV002888996.3), dbSNP rs561258669, ClinGen allele CA3520407.